The following is an entry in ClinVar:

ClinVar aggregate classification (germline): Likely pathogenic. Review status: criteria provided, multiple submitters, no conflicts (2 of 4 stars). 2 submissions from 2 submitters: Likely pathogenic (2). Last evaluated 2025-07-18.

Conditions:
Cardiovascular phenotype. Identifiers: MedGen CN230736.
Hereditary cancer-predisposing syndrome. Also called: Hereditary neoplastic syndrome; Tumor predisposition; Hereditary Cancer Syndrome; Neoplastic Syndromes, Hereditary. Identifiers: Orphanet 140162, MedGen C0027672, MeSH D009386, MONDO:0015356.

gnomAD v4.1: 1 of 1,597,408 alleles (0.000063%); highest among the groups gnomAD compares: Non-Finnish European, 0.000085%; no homozygotes.

Submissions (2):

Ambry Genetics
Classification: Likely pathogenic for Cardiovascular phenotype; Hereditary cancer-predisposing syndrome. Last evaluated: 2025-07-18. Review status: criteria provided, single submitter. Criteria: Ambry Variant Classification Scheme 2023. Collection method: clinical testing. Allele origin: germline.
Comment: The c.1615+1G>C intronic variant results from a G to C substitution one nucleotide after coding exon 14 of the LZTR1 gene. This variant is considered to be rare based on population cohorts in the Genome Aggregation Database (gnomAD). This nucleotide position is highly conserved in available vertebrate species. In silico splice site analysis predicts that this alteration will weaken the native splice donor site and will result in the creation or strengthening of a novel splice donor site. Alterations that disrupt the canonical splice site are expected to cause aberrant splicing, resulting in an abnormal protein or a transcript that is subject to nonsense-mediated mRNA decay. Loss-of-function variants in LZTR1 are related to an increased risk for schwannomas and autosomal recessive Noonan syndrome; however, such associations with autosomal dominant Noonan syndrome have not been observed (Piotrowski A et al. Nat Genet. 2014 Feb;46:182-7; Yamamoto GL et al. J Med Genet. 2015 Jun;52:413-21; Johnston JJ et al. Genet Med. 2018 10;20:1175-1185). Based on the supporting evidence, this variant is likely pathogenic for an increased risk of LZTR1-related schwannomatosis (SWN) and would be expected to cause autosomal recessive Noonan syndrome when present along with a second pathogenic or likely pathogenic variant on the other allele; however, the association of this alteration with autosomal dominant Noonan syndrome is unlikely.

Labcorp Genetics (formerly Invitae), Labcorp
Classification: Likely pathogenic. Last evaluated: 2025-03-03. Review status: criteria provided, single submitter. Criteria: Invitae Variant Classification Sherloc (09022015). Collection method: clinical testing. Allele origin: germline.
Comment: This sequence change affects a donor splice site in intron 14 of the LZTR1 gene. It is expected to disrupt RNA splicing. Variants that disrupt the donor or acceptor splice site typically lead to a loss of protein function (PMID: 16199547), and loss-of-function variants in LZTR1 are known to be pathogenic (PMID: 24362817, 25335493, 25480913, 25795793, 29469822, 30368668, 30442762, 30442766, 30481304, 30859559). This variant is not present in population databases (gnomAD no frequency). This variant has not been reported in the literature in individuals affected with LZTR1-related conditions. ClinVar contains an entry for this variant (Variation ID: 1067900). Algorithms developed to predict the effect of sequence changes on RNA splicing suggest that this variant may disrupt the consensus splice site. In summary, the currently available evidence indicates that the variant is pathogenic, but additional data are needed to prove that conclusively. Therefore, this variant has been classified as Likely Pathogenic.

Literature cited by the submitters: PubMed 16199547 (cited by Labcorp Genetics (formerly Invitae), Labcorp); PubMed 24362817 (cited by Labcorp Genetics (formerly Invitae), Labcorp); PubMed 25335493 (cited by Labcorp Genetics (formerly Invitae), Labcorp); PubMed 25480913 (cited by Labcorp Genetics (formerly Invitae), Labcorp); PubMed 25795793 (cited by Labcorp Genetics (formerly Invitae), Labcorp); PubMed 29469822 (cited by Labcorp Genetics (formerly Invitae), Labcorp); PubMed 30368668 (cited by Labcorp Genetics (formerly Invitae), Labcorp); PubMed 30442762 (cited by Labcorp Genetics (formerly Invitae), Labcorp); PubMed 30442766 (cited by Labcorp Genetics (formerly Invitae), Labcorp); PubMed 30481304 (cited by Labcorp Genetics (formerly Invitae), Labcorp); PubMed 30859559 (cited by Labcorp Genetics (formerly Invitae), Labcorp).

NM_006767.4(LZTR1):c.1615+1G>C

Gene: LZTR1 (leucine zipper like post translational regulator 1; plus strand). Cytogenetic location: 22q11.21.
Variant type: single nucleotide variant.
Coding change: c.1615+1G>C on transcript NM_006767.4 (MANE Select); the canonical splice donor site of the intron after coding-DNA position 1615, G replaced by C.
Molecular consequence: splice donor variant.
Genome position (GRCh38, 1-based): chr22:20,994,270, G>C. VCF-style: chr22-20994270-G-C. GRCh37 (hg19) VCF-style: chr22-21348559-G-C.
Other names: c.1615+1G>C (NM_006767.3).
Identifiers: ClinVar variation 1067900 (VCV001067900.9), dbSNP rs1381717741, ClinGen allele CA410776298.
Genomic context (GRCh38, chr22:20,994,270, plus strand): 5'-GGCCCTTCGAGGTGCTCATGCAGTTCCTCTACACCGACAAGATCAAATACCCACGGAAAG[G>C]TCCGCCTGGGTGGGGGTGGAGCAGGGTTGGTGTGGGCTGGGGTGCGGGCAGCAGAGCCAA-3'